The following is an entry in ClinVar:

NM_170682.4(P2RX2):c.211_228del (p.Glu71_Ser76del)

Gene: P2RX2 (purinergic receptor P2X 2; plus strand). Cytogenetic location: 12q24.33.
Variant type: Deletion.
Coding change: c.211_228del on transcript NM_170682.4 (MANE Select); coding-DNA positions 211 to 228, 18 bases deleted (GAGACGGGCCCCGAGAGC).
Protein change: p.Glu71_Ser76del.
Molecular consequence: inframe deletion. On other transcripts: intron variant (1).
Genome position (GRCh38, 1-based): chr12:132,619,476-132,619,493, GAGACGGGCCCCGAGAGC deleted; deleting any 18 consecutive bases within chr12:132,619,470-132,619,493 gives the same sequence; the c. name uses the placement nearest the transcript's 3' end. VCF-style (leftmost placement, unchanged base first): chr12-132619469-GGAGAGCGAGACGGGCCCC-G. GRCh37 (hg19) VCF-style: chr12-133196055-GGAGAGCGAGACGGGCCCC-G.
Other names: c.211_228del, p.Glu71_Ser76del (NM_001282164.2, NM_001282165.2, NM_016318.4 and 2 more transcripts); c.143_160del, p.Arg48_Glu53del (NM_012226.5); c.106-368_106-351del (NM_174872.3); c.211_228del18 (NM_174873.2).
Identifiers: ClinVar variation 2574792 (VCV002574792.3), dbSNP rs2541773419, ClinGen allele CA2575358270.
Genomic context (GRCh38, chr12:132,619,469, plus strand): 5'-CTCCGGAGCCGGCGCCGCCCCTGCCCGCAGGTACGTATTCATCGTGCAGAAAAGCTACCA[GGAGAGCGAGACGGGCCCC>G]GAGAGCTCCATCATCACCAAGGTCAAGGGGATCACCACGTCCGAGCACAAAGTGTGGGAC-3'

ClinVar aggregate classification (germline): Uncertain significance. Review status: criteria provided, multiple submitters, no conflicts (2 of 4 stars). 3 submissions from 3 submitters: Uncertain significance (3). Last evaluated 2026-07-29.

Conditions:
P2RX2-related disorder. Also called: P2RX2-related condition.
Autosomal dominant nonsyndromic hearing loss 41. Also called: Deafness, autosomal dominant 41. Identifiers: Orphanet 90635, MedGen C1842371, MONDO:0011994, OMIM 608224.

Submissions (3):

PreventionGenetics, part of Exact Sciences
Classification: Uncertain significance for P2RX2-related condition. Last evaluated: 2026-07-29. Review status: criteria provided, single submitter. Criteria: ACMG Guidelines, 2015. Collection method: clinical testing. Allele origin: germline.
Comment: The P2RX2 c.211_228del18 variant is predicted to result in an in-frame deletion (p.Glu71_Ser76del). To our knowledge, this variant has not been reported in the literature or in a large population database (gnomAD), indicating this variant is rare. At this time, the clinical significance of this variant is uncertain due to the absence of conclusive functional and genetic evidence.

Human Genetics Bochum, Ruhr University Bochum
Classification: Uncertain significance for Autosomal dominant nonsyndromic hearing loss 41. Last evaluated: 2025-02-24. Review status: criteria provided, single submitter. Criteria: ACMG Guidelines, 2015. Collection method: clinical testing. Allele origin: germline. Affected: yes.
Comment: ACMG criteria used to clasify this variant: PM4, PM2_SUP

GeneDx
Classification: Uncertain significance. Last evaluated: 2023-02-01. Review status: criteria provided, single submitter. Criteria: GeneDx Variant Classification Process June 2021. Collection method: clinical testing. Allele origin: germline. Affected: yes.
Comment: In-frame deletion of 6 amino acids in a non-repeat region; Not observed at significant frequency in large population cohorts (gnomAD); In silico analysis supports a deleterious effect on protein structure/function; Has not been previously published as pathogenic or benign to our knowledge